The following is an entry in ClinVar:

ClinVar aggregate classification (germline): Likely pathogenic (1 of 4 stars; one submission).

Submission:

Labcorp Genetics (formerly Invitae), Labcorp
Classification: Likely pathogenic. Last evaluated: 2025-04-09. Review status: criteria provided, single submitter. Criteria: Invitae Variant Classification Sherloc (09022015). Collection method: clinical testing. Allele origin: germline.
Comment: This variant results in the deletion of part of exon 5 (c.454-10_455del) of the ACAD9 gene. It is expected to disrupt RNA splicing. Variants that disrupt the donor or acceptor splice site typically lead to a loss of protein function (PMID: 16199547), and loss-of-function variants in ACAD9 are known to be pathogenic (PMID: 25721401). This variant is not present in population databases (gnomAD no frequency). This variant has not been reported in the literature in individuals affected with ACAD9-related conditions. In summary, the currently available evidence indicates that the variant is pathogenic, but additional data are needed to prove that conclusively. Therefore, this variant has been classified as Likely Pathogenic.

Literature cited by the submitters: PubMed 16199547; PubMed 25721401.

NM_014049.5(ACAD9):c.454-10_455del

Gene: ACAD9 (acyl-CoA dehydrogenase family member 9; plus strand). Cytogenetic location: 3q21.3.
Variant type: Deletion.
Coding change: c.454-10_455del on transcript NM_014049.5 (MANE Select); 10 bases into the intron before coding-DNA position 454 through coding-DNA position 455, 12 bases deleted (TTTTGTTTAGGG).
Molecular consequence: splice acceptor variant.
Genome position (GRCh38, 1-based): chr3:128,896,426-128,896,437, TTTTGTTTAGGG deleted; deleting any 12 consecutive bases within chr3:128,896,425-128,896,437 gives the same sequence; the c. name uses the placement nearest the transcript's 3' end. VCF-style (leftmost placement, unchanged base first): chr3-128896424-TGTTTTGTTTAGG-T. GRCh37 (hg19) VCF-style: chr3-128615267-TGTTTTGTTTAGG-T.
Other names: c.85-10_86del (NM_001410805.1).
Identifiers: ClinVar variation 4716992 (VCV004716992.1).